The following is an entry in ClinVar:

NM_020376.4(PNPLA2):c.1316G>A (p.Cys439Tyr)

Gene: PNPLA2 (patatin like domain 2, triacylglycerol lipase; plus strand). Cytogenetic location: 11p15.5.
Variant type: single nucleotide variant.
Coding change: c.1316G>A on transcript NM_020376.4 (MANE Select); coding-DNA position 1316, G replaced by A.
Protein change: p.Cys439Tyr; replaces cysteine 439 with tyrosine.
Molecular consequence: missense variant.
Genome position (GRCh38, 1-based): chr11:824,663, G>A. VCF-style: chr11-824663-G-A. GRCh37 (hg19) VCF-style: chr11-824663-G-A.
Other names: c.1316G>A (NM_020376.3); short protein forms C439Y.
Identifiers: ClinVar variation 1038206 (VCV001038206.6), dbSNP rs766730036, ClinGen allele CA5791365.

ClinVar aggregate classification (germline): Uncertain significance. Review status: criteria provided, multiple submitters, no conflicts (2 of 4 stars). 2 submissions from 2 submitters: Uncertain significance (2). Last evaluated 2025-11-05.

Conditions:
Inborn genetic diseases. Identifiers: MedGen C0950123, MeSH D030342.
Neutral lipid storage myopathy (NLSDM). Also called: NEUTRAL LIPID STORAGE DISEASE WITHOUT ICHTHYOSIS. Identifiers: Orphanet 98908, MedGen C1853136, MONDO:0012545, OMIM 610717.

Allele frequency attached by ClinVar (database versions not stated): gnomAD 0.00001; gnomAD exomes 0.00001; ExAC 0.00003; TOPMed 0.00004.
gnomAD v4.1: 11 of 1,596,606 alleles (0.00069%); highest among the groups gnomAD compares: Non-Finnish European, 0.00076%; no homozygotes.

Submissions (2):

Ambry Genetics
Classification: Uncertain significance for Inborn genetic diseases. Last evaluated: 2025-11-05. Review status: criteria provided, single submitter. Criteria: Ambry Variant Classification Scheme 2023. Collection method: clinical testing. Allele origin: germline.

Labcorp Genetics (formerly Invitae), Labcorp
Classification: Uncertain significance for Neutral lipid storage myopathy. Last evaluated: 2022-06-20. Review status: criteria provided, single submitter. Criteria: Invitae Variant Classification Sherloc (09022015). Collection method: clinical testing. Allele origin: germline.
Comment: This sequence change replaces cysteine, which is neutral and slightly polar, with tyrosine, which is neutral and polar, at codon 439 of the PNPLA2 protein (p.Cys439Tyr). This variant is present in population databases (rs766730036, gnomAD 0.003%). This variant has not been reported in the literature in individuals affected with PNPLA2-related conditions. ClinVar contains an entry for this variant (Variation ID: 1038206). Algorithms developed to predict the effect of missense changes on protein structure and function output the following: SIFT: "Tolerated"; PolyPhen-2: "Benign"; Align-GVGD: "Class C0". The tyrosine amino acid residue is found in multiple mammalian species, which suggests that this missense change does not adversely affect protein function. In summary, the available evidence is currently insufficient to determine the role of this variant in disease. Therefore, it has been classified as a Variant of Uncertain Significance.